The following is an entry in ClinVar:

ClinVar aggregate classification (germline): Uncertain significance (1 of 4 stars; one submission).

Conditions:
Familial focal epilepsy with variable foci (FPEVF). Identifiers: Orphanet 98820, MedGen C1858477, MONDO:0020310.

Submission:

Labcorp Genetics (formerly Invitae), Labcorp
Classification: Uncertain significance for Familial focal epilepsy with variable foci. Last evaluated: 2022-05-18. Review status: criteria provided, single submitter. Criteria: Invitae Variant Classification Sherloc (09022015). Collection method: clinical testing. Allele origin: germline.
Comment: This sequence change replaces alanine, which is neutral and non-polar, with threonine, which is neutral and polar, at codon 596 of the DEPDC5 protein (p.Ala596Thr). This variant is not present in population databases (gnomAD no frequency). This variant has not been reported in the literature in individuals affected with DEPDC5-related conditions. Algorithms developed to predict the effect of missense changes on protein structure and function are either unavailable or do not agree on the potential impact of this missense change (SIFT: "Deleterious"; PolyPhen-2: "Not Available"; Align-GVGD: "Class C55"). In summary, the available evidence is currently insufficient to determine the role of this variant in disease. Therefore, it has been classified as a Variant of Uncertain Significance.

NM_001242896.3(DEPDC5):c.1786G>A (p.Ala596Thr)

Gene: DEPDC5 (DEP domain containing 5, GATOR1 subcomplex subunit; plus strand). Cytogenetic location: 22q12.3.
Variant type: single nucleotide variant.
Coding change: c.1786G>A on transcript NM_001242896.3 (MANE Select); coding-DNA position 1786, G replaced by A.
Protein change: p.Ala596Thr; replaces alanine 596 with threonine.
Molecular consequence: missense variant. On other transcripts: non-coding transcript variant (5).
Genome position (GRCh38, 1-based): chr22:31,819,141, G>A. VCF-style: chr22-31819141-G-A. GRCh37 (hg19) VCF-style: chr22-32215127-G-A.
Other names: c.1786G>A, p.Ala596Thr (NM_001369903.1, NM_014662.6, NM_001136029.4 and 6 more transcripts); c.1702G>A, p.Ala568Thr (NM_001369901.1, NM_001369902.1); short protein forms A568T, A596T.
Identifiers: ClinVar variation 1996209 (VCV001996209.4), dbSNP rs2519376735, ClinGen allele CA411280818.